The following is an entry in ClinVar:

NM_000136.3(FANCC):c.1252C>T (p.Pro418Ser)

Genes: AOPEP (aminopeptidase O (putative); plus strand), FANCC (FA complementation group C; minus strand). Cytogenetic location: 9q22.32.
Variant type: single nucleotide variant.
Coding change: c.1252C>T on transcript NM_000136.3 (MANE Select); coding-DNA position 1252, C replaced by T.
Protein change: p.Pro418Ser; replaces proline 418 with serine.
Molecular consequence: missense variant.
Genome position (GRCh38, 1-based): chr9:95,111,540, G>A on the plus strand (C>T on the coding strand, the complement: FANCC is on the minus strand). VCF-style: chr9-95111540-G-A. GRCh37 (hg19) VCF-style: chr9-97873822-G-A.
Other names: c.1252C>T, p.Pro418Ser (NM_001243743.2, NM_001243744.2); short protein forms P418S.
Identifiers: ClinVar variation 1468966 (VCV001468966.13), dbSNP rs1284061457, ClinGen allele CA374107371.
Genomic context (GRCh38, chr9:95,111,540, plus strand): 5'-GCTGCCTCCCATCACGGGGGCCGTAGTAGAAGGCCAAGAGCCACAGCAGGGCCGTGGGGG[G>A]TTCGGCTGCCGACATCAGTAATTGCTCTGCCACCATCTCAGCCCATCCTCCGAAGTGAAT-3'
Protein context (NP_000127.2, residues 408-428): AEQLLMSAAE[Pro418Ser]PTALLWLLAF

ClinVar aggregate classification (germline): Conflicting classifications of pathogenicity. Review status: criteria provided, conflicting classifications (1 of 4 stars). 3 submissions from 3 submitters: Uncertain significance (2); Likely benign (1). Last evaluated 2025-11-19.

Conditions:
Hereditary cancer-predisposing syndrome. Also called: Tumor predisposition; Hereditary Cancer Syndrome; Hereditary neoplastic syndrome; Neoplastic Syndromes, Hereditary. Identifiers: Orphanet 140162, MedGen C0027672, MeSH D009386, MONDO:0015356.
Fanconi anemia (FA). Also called: Fanconi's anemia. Identifiers: Orphanet 84, MedGen C0015625, MeSH D005199, MONDO:0019391.
Fanconi anemia complementation group C (FANCC). Also called: FANCC-Related Fanconi Anemia; FANCONI PANCYTOPENIA, TYPE 3; FACC; Fanconi anemia, group C. Identifiers: Orphanet 84, MedGen C3468041, MONDO:0009213, OMIM 227645.

Allele frequency attached by ClinVar (database versions not stated): TOPMed below 0.00001; gnomAD 0.00001.
gnomAD v4.1: 7 of 1,614,010 alleles (0.00043%); highest among the groups gnomAD compares: Non-Finnish European, 0.00059%; no homozygotes.

Submissions (3):

Labcorp Genetics (formerly Invitae), Labcorp
Classification: Uncertain significance for Fanconi anemia. Last evaluated: 2025-11-19. Review status: criteria provided, single submitter. Criteria: Invitae Variant Classification Sherloc (09022015). Collection method: clinical testing. Allele origin: germline.
Comment: This sequence change replaces proline, which is neutral and non-polar, with serine, which is neutral and polar, at codon 418 of the FANCC protein (p.Pro418Ser). This variant is not present in population databases (gnomAD no frequency). This variant has not been reported in the literature in individuals affected with FANCC-related conditions. ClinVar contains an entry for this variant (Variation ID: 1468966). Invitae Evidence Modeling of protein sequence and biophysical properties (such as structural, functional, and spatial information, amino acid conservation, physicochemical variation, residue mobility, and thermodynamic stability) indicates that this missense variant is not expected to disrupt FANCC protein function with a negative predictive value of 80%. In summary, the available evidence is currently insufficient to determine the role of this variant in disease. Therefore, it has been classified as a Variant of Uncertain Significance.

Ambry Genetics
Classification: Likely benign for Hereditary cancer-predisposing syndrome. Last evaluated: 2025-07-15. Review status: criteria provided, single submitter. Criteria: Ambry Variant Classification Scheme 2023. Collection method: clinical testing. Allele origin: germline.

Fulgent Genetics
Classification: Uncertain significance for Fanconi anemia complementation group C. Last evaluated: 2024-04-26. Review status: criteria provided, single submitter. Criteria: ACMG Guidelines, 2015. Collection method: clinical testing. Allele origin: germline.